The following is an entry in ClinVar:

ClinVar aggregate classification (germline): Uncertain significance (1 of 4 stars; one submission).

Conditions:
Autosomal recessive nonsyndromic hearing loss 23. Identifiers: Orphanet 90636, MedGen C1836027, MONDO:0012293, OMIM 609533.
Usher syndrome type 1F (USH1F). Also called: USHER SYNDROME, TYPE IF. Identifiers: Orphanet 231169, Orphanet 886, MedGen C1865885, MONDO:0011186, OMIM 602083.

Allele frequency attached by ClinVar (database versions not stated): gnomAD exomes below 0.00001.
gnomAD v4.1: 5 of 1,613,426 alleles (0.00031%); highest among the groups gnomAD compares: Non-Finnish European, 0.00042%; no homozygotes.

Submission:

Labcorp Genetics (formerly Invitae), Labcorp
Classification: Uncertain significance. Last evaluated: 2022-03-13. Review status: criteria provided, single submitter. Criteria: Invitae Variant Classification Sherloc (09022015). Collection method: clinical testing. Allele origin: germline.
Comment: This sequence change replaces serine, which is neutral and polar, with cysteine, which is neutral and slightly polar, at codon 1948 of the PCDH15 protein (p.Ser1948Cys). This variant is not present in population databases (gnomAD no frequency). This variant has not been reported in the literature in individuals affected with PCDH15-related conditions. Algorithms developed to predict the effect of missense changes on protein structure and function are either unavailable or do not agree on the potential impact of this missense change (SIFT: "Tolerated"; PolyPhen-2: "Not Available"; Align-GVGD: "Class C0"). In summary, the available evidence is currently insufficient to determine the role of this variant in disease. Therefore, it has been classified as a Variant of Uncertain Significance.

NM_033056.4(PCDH15):c.5843C>G (p.Ser1948Cys)

Gene: PCDH15 (protocadherin related 15; minus strand). Cytogenetic location: 10q21.1.
Variant type: single nucleotide variant.
Coding change: c.5843C>G on transcript NM_033056.4 (MANE Plus Clinical); coding-DNA position 5843, C replaced by G.
Protein change: p.Ser1948Cys; replaces serine 1948 with cysteine.
Molecular consequence: missense variant. On other transcripts: intron variant (8).
Genome position (GRCh38, 1-based): chr10:53,821,883, G>C on the plus strand (C>G on the coding strand, the complement: PCDH15 is on the minus strand). VCF-style: chr10-53821883-G-C. GRCh37 (hg19) VCF-style: chr10-55581643-G-C.
Other names: c.5783C>G, p.Ser1928Cys (NM_001142768.2); c.5774C>G, p.Ser1925Cys (NM_001142773.2); c.5777C>G, p.Ser1926Cys (NM_001354404.2); c.4367+5510C>G (NM_001354420.2); c.4368-3870C>G (NM_001354429.2); c.4368-1653C>G (NM_001384140.1); c.4373+3253C>G (NM_001142772.2, NM_001142770.3); c.4388+3253C>G (NM_001142771.2); and 7 more; short protein forms S1950C, S1955C, S1926C, S1928C, S1879C, S1908C, S1925C, S1945C.
Identifiers: ClinVar variation 2111453 (VCV002111453.2), dbSNP rs2076290815, ClinGen allele CA376524087.